The following is an entry in ClinVar:

ClinVar aggregate classification (germline): Benign/Likely benign. Review status: criteria provided, multiple submitters, no conflicts (2 of 4 stars). 7 submissions from 7 submitters: Benign (5); Likely benign (2). Last evaluated 2026-02-07.

Conditions:
Focal segmental glomerulosclerosis (FSGS). Also called: Glomerulosclerosis, focal; Focal sclerosis with hyalinosis. Identifiers: MedGen C0017668, MONDO:0100313, HP:0000097. Disease mechanism: loss of function.
Schimke immuno-osseous dysplasia (SIOD). Also called: Schimke Immunoosseous Dysplasia. Identifiers: Orphanet 1830, MedGen C0877024, MONDO:0009458, OMIM 242900.

Allele frequency attached by ClinVar (database versions not stated): gnomAD 0.00775 and 0.00728; TOPMed 0.00813; gnomAD exomes 0.00069 and 0.00195; ExAC 0.00221; 1000 Genomes Project 0.00719; 1000 Genomes Project 30x 0.00890; ESP Exome Variant Server 0.00915.
gnomAD v4.1: 2,171 of 1,614,138 alleles (0.13%); highest among the groups gnomAD compares: African/African-American, 2.5%; 25 homozygotes.

Submissions (7):

Women's Health and Genetics/Laboratory Corporation of America, LabCorp
Classification: Likely benign. Last evaluated: 2026-02-07. Review status: criteria provided, single submitter. Criteria: LabCorp Variant Classification Summary - May 2015. Collection method: clinical testing. Allele origin: germline.

Labcorp Genetics (formerly Invitae), Labcorp
Classification: Benign for Schimke immuno-osseous dysplasia. Last evaluated: 2026-01-28. Review status: criteria provided, single submitter. Criteria: Invitae Variant Classification Sherloc (09022015). Collection method: clinical testing. Allele origin: germline.

GeneDx
Classification: Likely benign. Last evaluated: 2024-01-10. Review status: criteria provided, single submitter. Criteria: GeneDx Variant Classification Process June 2021. Collection method: clinical testing. Allele origin: germline. Affected: yes.
Comment: See Variant Classification Assertion Criteria.

Mayo Clinic Laboratories, Mayo Clinic
Classification: Benign. Last evaluated: 2023-04-20. Review status: criteria provided, single submitter. Criteria: ACMG Guidelines, 2015. Collection method: clinical testing. Allele origin: germline. Observed: 5 variant alleles.
Comment: BS1, BS2, BP4

Genome Diagnostics Laboratory, The Hospital for Sick Children
Classification: Benign for Focal segmental glomerulosclerosis. Last evaluated: 2021-09-08. Review status: criteria provided, single submitter. Criteria: ACMG Guidelines, 2015. Collection method: clinical testing. Allele origin: germline.

Illumina Laboratory Services, Illumina
Classification: Benign for Schimke immuno-osseous dysplasia. Last evaluated: 2018-01-12. Review status: criteria provided, single submitter. Criteria: ICSL Variant Classification Criteria 13 December 2019. Collection method: clinical testing. Allele origin: germline.
Comment: This variant was observed in the ICSL laboratory as part of a predisposition screen in an ostensibly healthy population. It had not been previously curated by ICSL or reported in the Human Gene Mutation Database (HGMD: prior to June 1st, 2018), and was therefore a candidate for classification through an automated scoring system. Utilizing variant allele frequency, disease prevalence and penetrance estimates, and inheritance mode, an automated score was calculated to assess if this variant is too frequent to cause the disease. Based on the score and internal cut-off values, a variant classified as benign is not then subjected to further curation. The score for this variant resulted in a classification of benign for this disease.

Breakthrough Genomics
Classification: Benign. Review status: criteria provided, single submitter. Criteria: ACMG Guidelines, 2015. Collection method: not provided. Allele origin: germline. Inheritance: Autosomal recessive inheritance. Affected: yes.

NM_014140.4(SMARCAL1):c.1243A>G (p.Ser415Gly)

Gene: SMARCAL1 (SNF2 related chromatin remodeling annealing helicase 1; plus strand). Cytogenetic location: 2q35.
Variant type: single nucleotide variant.
Coding change: c.1243A>G on transcript NM_014140.4 (MANE Select); coding-DNA position 1243, A replaced by G.
Protein change: p.Ser415Gly; replaces serine 415 with glycine.
Molecular consequence: missense variant.
Genome position (GRCh38, 1-based): chr2:216,428,691, A>G. VCF-style: chr2-216428691-A-G. GRCh37 (hg19) VCF-style: chr2-217293414-A-G.
Other names: p.Ser415Gly; c.1243A>G, p.Ser415Gly (NM_001127207.2); short protein forms S415G.
Identifiers: ClinVar variation 463145 (VCV000463145.21), dbSNP rs58848916, ClinGen allele CA2097820.
Genomic context (GRCh38, chr2:216,428,691, plus strand): 5'-GACCCTCTGCCCACGACTCTCACCCTGGCGTTTGCTTCTCAGCTCAAGAAGACATCTCTC[A>G]GTCTCACGCCAGATGTCCCAGAGGCAGACCTTTCTGAAGTGGACCCCAAGCTCGTGTCTA-3'
Protein context (NP_054859.2, residues 405-425): FASQLKKTSL[Ser415Gly]LTPDVPEADL